The following is an entry in ClinVar:

ClinVar aggregate classification (germline): Likely benign. Review status: criteria provided, multiple submitters, no conflicts (2 of 4 stars). 2 submissions from 2 submitters: Likely benign (2). Last evaluated 2022-02-08.

Conditions:
Progressive sclerosing poliodystrophy (MTDPS4A). Also called: Alpers-Huttenlocher Syndrome (AHS); ALPERS PROGRESSIVE INFANTILE POLIODYSTROPHY; Mitochondrial DNA Depletion Syndrome 4A; Mitochondrial DNA depletion syndrome 4A (Alpers type); NEURONAL DEGENERATION OF CHILDHOOD WITH LIVER DISEASE, PROGRESSIVE; Alpers Syndrome. Identifiers: Orphanet 726, MedGen C0205710, MONDO:0008758, OMIM 203700.

Allele frequency attached by ClinVar (database versions not stated): gnomAD exomes below 0.00001.
gnomAD v4.1: 3 of 1,614,074 alleles (0.00019%); highest among the groups gnomAD compares: Non-Finnish European, 0.00025%; no homozygotes.

Submissions (2):

Labcorp Genetics (formerly Invitae), Labcorp
Classification: Likely benign for Progressive sclerosing poliodystrophy. Last evaluated: 2022-02-08. Review status: criteria provided, single submitter. Criteria: Invitae Variant Classification Sherloc (09022015). Collection method: clinical testing. Allele origin: germline.

GeneDx
Classification: Likely benign. Last evaluated: 2017-04-08. Review status: criteria provided, single submitter. Criteria: GeneDx Variant Classification (06012015). Collection method: clinical testing. Allele origin: germline. Affected: yes.
Comment: This variant is considered likely benign or benign based on one or more of the following criteria: it is a conservative change, it occurs at a poorly conserved position in the protein, it is predicted to be benign by multiple in silico algorithms, and/or has population frequency not consistent with disease.

NM_002693.3(POLG):c.2511T>C (p.Tyr837=)

Gene: POLG (DNA polymerase gamma, catalytic subunit; minus strand). Cytogenetic location: 15q26.1.
Variant type: single nucleotide variant.
Coding change: c.2511T>C on transcript NM_002693.3 (MANE Select); coding-DNA position 2511, T replaced by C.
Protein change: p.Tyr837=; no amino-acid change (tyrosine 837 retained).
Molecular consequence: synonymous variant.
Genome position (GRCh38, 1-based): chr15:89,321,823, A>G on the plus strand (T>C on the coding strand, the complement: POLG is on the minus strand). VCF-style: chr15-89321823-A-G. GRCh37 (hg19) VCF-style: chr15-89865054-A-G.
Other names: c.2511T>C, p.Tyr837= (NM_001126131.2).
Identifiers: ClinVar variation 508756 (VCV000508756.9), dbSNP rs1555452884, ClinGen allele CA492074751.